The following is an entry in ClinVar:

NM_018230.3(NUP133):c.1766G>C (p.Gly589Ala)

Gene: NUP133 (nucleoporin 133; minus strand). Cytogenetic location: 1q42.13.
Variant type: single nucleotide variant.
Coding change: c.1766G>C on transcript NM_018230.3 (MANE Select); coding-DNA position 1766, G replaced by C.
Protein change: p.Gly589Ala; replaces glycine 589 with alanine.
Molecular consequence: missense variant.
Genome position (GRCh38, 1-based): chr1:229,475,723, C>G on the plus strand (G>C on the coding strand, the complement: NUP133 is on the minus strand). VCF-style: chr1-229475723-C-G. GRCh37 (hg19) VCF-style: chr1-229611470-C-G.
Other names: c.1766G>C (NM_018230.2); short protein forms G589A.
Identifiers: ClinVar variation 1947483 (VCV001947483.6), dbSNP rs199730116, ClinGen allele CA1443447.
Genomic context (GRCh38, chr1:229,475,723, plus strand): 5'-GAGTGAGCTTTCATCTTGTCTTCTAGCTGGTGAAGGATAATCAGTGACGTATTGCTGAAC[C>G]CAGGTGCTTCTGTTAAAACACAGTGATAAAACTTAGAACATAGTGGTTTTACAACTATAC-3'
Protein context (NP_060700.2, residues 579-599): WAESVPEEAP[Gly589Ala]FSNTSLIILH

ClinVar aggregate classification (germline): Uncertain significance. Review status: criteria provided, multiple submitters, no conflicts (2 of 4 stars). 2 submissions from 2 submitters: Uncertain significance (2). Last evaluated 2025-04-16.

Allele frequency attached by ClinVar (database versions not stated): ExAC 0.00001; gnomAD exomes 0.00001; gnomAD 0.00002; TOPMed 0.00003; 1000 Genomes Project 30x 0.00016; 1000 Genomes Project 0.00020.
gnomAD v4.1: 10 of 1,613,440 alleles (0.00062%); highest among the groups gnomAD compares: Admixed American, 0.017%; no homozygotes.

Submissions (2):

Labcorp Genetics (formerly Invitae), Labcorp
Classification: Uncertain significance. Last evaluated: 2025-04-16. Review status: criteria provided, single submitter. Criteria: Invitae Variant Classification Sherloc (09022015). Collection method: clinical testing. Allele origin: germline.
Comment: This sequence change replaces glycine, which is neutral and non-polar, with alanine, which is neutral and non-polar, at codon 589 of the NUP133 protein (p.Gly589Ala). This variant is present in population databases (rs199730116, gnomAD 0.02%). This variant has not been reported in the literature in individuals affected with NUP133-related conditions. ClinVar contains an entry for this variant (Variation ID: 1947483). An algorithm developed to predict the effect of missense changes on protein structure and function (PolyPhen-2) suggests that this variant is likely to be disruptive. In summary, the available evidence is currently insufficient to determine the role of this variant in disease. Therefore, it has been classified as a Variant of Uncertain Significance.

Ambry Genetics
Classification: Uncertain significance. Last evaluated: 2024-10-01. Review status: criteria provided, single submitter. Criteria: Ambry Variant Classification Scheme 2023. Collection method: clinical testing. Allele origin: germline.